The following is an entry in ClinVar:

ClinVar aggregate classification (germline): Conflicting classifications of pathogenicity. Review status: criteria provided, conflicting classifications (1 of 4 stars). 8 submissions from 8 submitters: Uncertain significance (7); Likely benign (1). Last evaluated 2025-04-30.

Conditions:
Hereditary nonpolyposis colorectal neoplasms. Identifiers: MedGen C0009405, MeSH D003123.
Hereditary cancer-predisposing syndrome. Also called: Hereditary neoplastic syndrome; Hereditary Cancer Syndrome; Neoplastic Syndromes, Hereditary; Tumor predisposition. Identifiers: Orphanet 140162, MedGen C0027672, MeSH D009386, MONDO:0015356.
Lynch syndrome. Identifiers: Orphanet 144, MedGen C4552100, MONDO:0005835. Disease mechanism: loss of function.
Endometrial carcinoma. Also called: Endometrial carcinoma, somatic. Identifiers: MedGen C0476089, MONDO:0002447, OMIM 608089, HP:0012114.
Lynch syndrome 5 (LYNCH5). Also called: Hereditary non-polyposis colorectal cancer, type 5; Colorectal cancer, hereditary nonpolyposis, type 5. Identifiers: Orphanet 144, MedGen C1833477, MONDO:0013710, OMIM 614350. Disease mechanism: loss of function.

Allele frequency attached by ClinVar (database versions not stated): gnomAD exomes below 0.00001; TOPMed below 0.00001.
gnomAD v4.1: 4 of 1,613,822 alleles (0.00025%); highest among the groups gnomAD compares: Non-Finnish European, 0.00017%; no homozygotes.

Submissions (8):

Labcorp Genetics (formerly Invitae), Labcorp
Classification: Uncertain significance for Hereditary nonpolyposis colorectal neoplasms. Last evaluated: 2025-04-30. Review status: criteria provided, single submitter. Criteria: Invitae Variant Classification Sherloc (09022015). Collection method: clinical testing. Allele origin: germline.
Comment: This sequence change replaces asparagine, which is neutral and polar, with aspartic acid, which is acidic and polar, at codon 827 of the MSH6 protein (p.Asn827Asp). This variant is present in population databases (no rsID available, gnomAD 0.0009%). This variant has not been reported in the literature in individuals affected with MSH6-related conditions. ClinVar contains an entry for this variant (Variation ID: 237158). Invitae Evidence Modeling of protein sequence and biophysical properties (such as structural, functional, and spatial information, amino acid conservation, physicochemical variation, residue mobility, and thermodynamic stability) indicates that this missense variant is not expected to disrupt MSH6 protein function with a negative predictive value of 95%. In summary, the available evidence is currently insufficient to determine the role of this variant in disease. Therefore, it has been classified as a Variant of Uncertain Significance.

Molecular Diagnostics Laboratory, Catalan Institute of Oncology
Classification: Uncertain significance for Hereditary cancer-predisposing syndrome. Last evaluated: 2025-01-09. Review status: criteria provided, single submitter. Criteria: MMR VCEP Paper Draft V3.1. Collection method: clinical testing. Allele origin: germline.
Comment: PM2_Supporting c.2479A>G, located in exon 4 of the MSH6 gene, is predicted to result in the substitution of asparagine by aspartic acid at codon 827, p.(Asn827Asp). This variant is found in 1/234662 alleles at a frequency of 0.0004% in the gnomAD v2.1.1 database, non-cancer dataset (PM2_supporting). In silico analyses are unconclusive regarding the effect this variant may have on protein structure and function (MAPP+PP-2 prior probability for pathogenicity = 0.15). To our knowledge, neither relevant clinical data nor well-stablished functional studies have been reported for this variant. In addition, the variant is reported in the ClinVar database (1x likely benign, 5x uncertain significance), but it is not reported in InSiGHT and LOVD databases. Based on the currently available information, c.2479A>G is classified as an uncertain significance variant according to ClinGen-MMR Guidelines Draft v3.1.

GeneDx
Classification: Uncertain significance. Last evaluated: 2024-12-01. Review status: criteria provided, single submitter. Criteria: GeneDx Variant Classification Process June 2021. Collection method: clinical testing. Allele origin: germline. Affected: yes.
Comment: Not observed at significant frequency in large population cohorts (gnomAD); In silico analysis indicates that this missense variant does not alter protein structure/function; Has not been previously published as pathogenic or benign to our knowledge; This variant is associated with the following publications: (PMID: 17531815, 21120944)

Color Diagnostics, LLC DBA Color Health
Classification: Uncertain significance for Hereditary cancer-predisposing syndrome. Last evaluated: 2024-03-06. Review status: criteria provided, single submitter. Criteria: ACMG Guidelines, 2015. Collection method: clinical testing. Allele origin: germline.
Comment: This missense variant replaces asparagine with aspartic acid at codon 827 of the MSH6 protein. Computational prediction suggests that this variant may not impact protein structure and function (internally defined REVEL score threshold <= 0.5, PMID: 27666373). To our knowledge, functional studies have not been reported for this variant. This variant has not been reported in individuals affected with MSH6-related disorders in the literature. This variant has been identified in 1/249096 chromosomes in the general population by the Genome Aggregation Database (gnomAD). The available evidence is insufficient to determine the role of this variant in disease conclusively. Therefore, this variant is classified as a Variant of Uncertain Significance.

Baylor Genetics
Classification: Uncertain significance for Endometrial carcinoma. Last evaluated: 2024-01-16. Review status: criteria provided, single submitter. Criteria: ACMG Guidelines, 2015. Collection method: clinical testing. Allele origin: unknown.

All of Us Research Program, National Institutes of Health
Classification: Uncertain significance for Lynch syndrome. Last evaluated: 2023-05-04. Review status: criteria provided, single submitter. Criteria: ACMG Guidelines, 2015. Collection method: clinical testing. Allele origin: germline. Inheritance: Autosomal dominant inheritance. Observed: 1 variant allele, 1 heterozygote.
Comment: This missense variant replaces asparagine with aspartic acid at codon 827 of the MSH6 protein. Computational prediction suggests that this variant may not impact protein structure and function (internally defined REVEL score threshold <= 0.5, PMID: 27666373). To our knowledge, functional studies have not been reported for this variant. This variant has not been reported in individuals affected with MSH6-related disorders in the literature. This variant has been identified in 1/249096 chromosomes in the general population by the Genome Aggregation Database (gnomAD). The available evidence is insufficient to determine the role of this variant in disease conclusively. Therefore, this variant is classified as a Variant of Uncertain Significance.

This study involves interpretation of variants in research participants for the purpose of population health screening. Participant phenotype was not available at the time of variant classification. Additional details can be found in publication PMID: 35346344, PMCID: PMC8962531

Mendelics
Classification: Uncertain significance for Lynch syndrome 5. Last evaluated: 2019-05-28. Review status: criteria provided, single submitter. Criteria: Mendelics Assertion Criteria 2017. Collection method: clinical testing. Allele origin: unknown.

Ambry Genetics
Classification: Likely benign for Hereditary cancer-predisposing syndrome. Last evaluated: 2018-08-28. Review status: criteria provided, single submitter. Criteria: Ambry Variant Classification Scheme 2023. Collection method: clinical testing. Allele origin: germline.

NM_000179.3(MSH6):c.2479A>G (p.Asn827Asp)

Gene: MSH6 (mutS homolog 6; plus strand). Cytogenetic location: 2p16.3.
Variant type: single nucleotide variant.
Coding change: c.2479A>G on transcript NM_000179.3 (MANE Select); coding-DNA position 2479, A replaced by G.
Protein change: p.Asn827Asp; replaces asparagine 827 with aspartic acid.
Molecular consequence: missense variant.
Genome position (GRCh38, 1-based): chr2:47,800,462, A>G. VCF-style: chr2-47800462-A-G. GRCh37 (hg19) VCF-style: chr2-48027601-A-G.
Other names: c.2089A>G, p.Asn697Asp (NM_001281492.2); c.1573A>G, p.Asn525Asp (NM_001281493.2, NM_001281494.2); short protein forms N827D, N525D, N697D.
Identifiers: ClinVar variation 237158 (VCV000237158.27), dbSNP rs878853716, ClinGen allele CA10582063.